The following is an entry in ClinVar:

ClinVar aggregate classification (germline): Benign/Likely benign. Review status: criteria provided, multiple submitters, no conflicts (2 of 4 stars). 9 submissions from 9 submitters: Benign (7); Likely benign (2). Last evaluated 2026-02-03.

Conditions:
Lynch syndrome. Identifiers: Orphanet 144, MedGen C4552100, MONDO:0005835. Disease mechanism: loss of function.
Hereditary nonpolyposis colorectal neoplasms. Identifiers: MedGen C0009405, MeSH D003123.
Endometrial carcinoma. Also called: Endometrial carcinoma, somatic. Identifiers: MedGen C0476089, MONDO:0002447, OMIM 608089, HP:0012114.
Lynch syndrome 5 (LYNCH5). Also called: Colorectal cancer, hereditary nonpolyposis, type 5; Hereditary non-polyposis colorectal cancer, type 5. Identifiers: Orphanet 144, MedGen C1833477, MONDO:0013710, OMIM 614350. Disease mechanism: loss of function.
Mismatch repair cancer syndrome 3. Identifiers: MedGen C5436807, MONDO:0030841, OMIM 619097.
Hereditary cancer-predisposing syndrome. Also called: Neoplastic Syndromes, Hereditary; Hereditary Cancer Syndrome; Tumor predisposition; Hereditary neoplastic syndrome. Identifiers: Orphanet 140162, MedGen C0027672, MeSH D009386, MONDO:0015356.
Breast and/or ovarian cancer. Identifiers: MedGen CN221562.

Allele frequency attached by ClinVar (database versions not stated): ESP Exome Variant Server 0.00008; gnomAD 0.00009 and 0.00100; TOPMed 0.00020; gnomAD exomes 0.00186 and 0.00377; ExAC 0.00429; 1000 Genomes Project 30x 0.00625; 1000 Genomes Project 0.00779.
gnomAD v4.1: 2,846 of 1,606,264 alleles (0.18%); highest among the groups gnomAD compares: South Asian, 2.9%; 77 homozygotes.

Submissions (9):

Labcorp Genetics (formerly Invitae), Labcorp
Classification: Benign for Hereditary nonpolyposis colorectal neoplasms. Last evaluated: 2026-02-03. Review status: criteria provided, single submitter. Criteria: Invitae Variant Classification Sherloc (09022015). Collection method: clinical testing. Allele origin: germline.

Center for Genomic Medicine, Rigshospitalet, Copenhagen University Hospital
Classification: Likely benign. Last evaluated: 2025-03-04. Review status: criteria provided, single submitter. Criteria: ACMG Guidelines, 2015. Collection method: clinical testing. Allele origin: germline.

Fulgent Genetics
Classification: Likely benign for Endometrial carcinoma; Lynch syndrome 5; Mismatch repair cancer syndrome 3. Last evaluated: 2022-05-26. Review status: criteria provided, single submitter. Criteria: ACMG Guidelines, 2015. Collection method: clinical testing. Allele origin: unknown.

CHEO Genetics Diagnostic Laboratory, Children's Hospital of Eastern Ontario
Classification: Benign for Breast and/or ovarian cancer. Last evaluated: 2021-07-19. Review status: criteria provided, single submitter. Criteria: ACMG Guidelines, 2015. Collection method: clinical testing. Allele origin: germline.

Department of Pathology and Laboratory Medicine, Sinai Health System
Classification: Benign for Lynch syndrome. Last evaluated: 2021-05-19. Review status: criteria provided, single submitter. Criteria: ACMG Guidelines, 2015. Collection method: clinical testing. Allele origin: germline. Affected: yes.

Ambry Genetics
Classification: Benign for Hereditary cancer-predisposing syndrome. Last evaluated: 2019-09-16. Review status: criteria provided, single submitter. Criteria: Ambry Variant Classification Scheme 2023. Collection method: clinical testing. Allele origin: germline.

PreventionGenetics, part of Exact Sciences
Classification: Benign. Last evaluated: 2017-10-20. Review status: criteria provided, single submitter. Criteria: ACMG Guidelines, 2015. Collection method: clinical testing. Allele origin: germline.

Color Diagnostics, LLC DBA Color Health
Classification: Benign for Hereditary cancer-predisposing syndrome. Last evaluated: 2015-04-22. Review status: criteria provided, single submitter. Criteria: ACMG Guidelines, 2015. Collection method: clinical testing. Allele origin: germline.

GeneDx
Classification: Benign. Last evaluated: 2014-02-11. Review status: criteria provided, single submitter. Criteria: GeneDx Variant Classification (06012015). Collection method: clinical testing. Allele origin: germline. Affected: yes.
Comment: This variant is considered likely benign or benign based on one or more of the following criteria: it is a conservative change, it occurs at a poorly conserved position in the protein, it is predicted to be benign by multiple in silico algorithms, and/or has population frequency not consistent with disease.

NM_000179.3(MSH6):c.3172+20T>C

Gene: MSH6 (mutS homolog 6; plus strand). Cytogenetic location: 2p16.3.
Variant type: single nucleotide variant.
Coding change: c.3172+20T>C on transcript NM_000179.3 (MANE Select); 20 bases into the intron after coding-DNA position 3172, T replaced by C.
Molecular consequence: intron variant.
Genome position (GRCh38, 1-based): chr2:47,801,175, T>C. VCF-style: chr2-47801175-T-C. GRCh37 (hg19) VCF-style: chr2-48028314-T-C.
Other names: c.2266+20T>C (NM_001281493.2, NM_001281494.2); c.2782+20T>C (NM_001281492.2).
Identifiers: ClinVar variation 138260 (VCV000138260.24), dbSNP rs3136335, ClinGen allele CA011729.